The following is an entry in ClinVar:

ClinVar aggregate classification (germline): Likely benign (1 of 4 stars; one submission).

Submission:

Mayo Clinic Laboratories, Mayo Clinic
Classification: Likely benign. Last evaluated: 2025-07-15. Review status: criteria provided, single submitter. Criteria: ACMG Guidelines, 2015. Collection method: clinical testing. Allele origin: germline. Observed: 1 variant allele.
Comment: BP4, BP7, PM2_supporting

NM_000152.5(GAA):c.692+28_692+36dup

Gene: GAA (alpha glucosidase; plus strand). Cytogenetic location: 17q25.3.
Variant type: Duplication.
Coding change: c.692+28_692+36dup on transcript NM_000152.5 (MANE Select); bases 28 to 36 of the intron after coding-DNA position 692, 9 bases duplicated (ATGGGGAGG; older notation c.692+28_692+36dupATGGGGAGG).
Molecular consequence: intron variant.
Genome position (GRCh38, 1-based): chr17:80,105,922-80,105,930, ATGGGGAGG duplicated; duplicating any 9 consecutive bases within chr17:80,105,921-80,105,930 gives the same sequence; the c. name uses the placement nearest the transcript's 3' end. VCF-style (leftmost placement, unchanged base first): chr17-80105920-T-TGATGGGGAG. GRCh37 (hg19) VCF-style: chr17-78079719-T-TGATGGGGAG.
Other names: p.?; c.692+28_692+36dup (NM_001406741.1, NM_001406742.1, NM_001079803.3 and 1 more transcripts).
Identifiers: ClinVar variation 4684256 (VCV004684256.1).
Genomic context (GRCh38, chr17:80,105,920, plus strand): 5'-GTGATCGTGCGCCGGCAGCTGGACGGCCGCGTGCTGTGAGTTCTGGGCTCTGTGCCAGCA[T>TGATGGGGAG]GATGGGGAGGGCGACGCGCATTTCTCACACGGCAGGGAGGGCCACACGCGTTTGTTTCTC-3'